The following is an entry in ClinVar:

NM_014975.3(MAST1):c.279G>A (p.Ser93=)

Gene: MAST1 (microtubule associated serine/threonine kinase 1; plus strand). Cytogenetic location: 19p13.13.
Variant type: single nucleotide variant.
Coding change: c.279G>A on transcript NM_014975.3 (MANE Select); coding-DNA position 279, G replaced by A.
Protein change: p.Ser93=; no amino-acid change (serine 93 retained).
Molecular consequence: synonymous variant.
Genome position (GRCh38, 1-based): chr19:12,843,559, G>A. VCF-style: chr19-12843559-G-A. GRCh37 (hg19) VCF-style: chr19-12954373-G-A.
Other names: c.279G>A (NM_014975.2).
Identifiers: ClinVar variation 2037531 (VCV002037531.29), dbSNP rs62108431, ClinGen allele CA9232565.

ClinVar aggregate classification (germline): Benign/Likely benign. Review status: criteria provided, multiple submitters, no conflicts (2 of 4 stars). 3 submissions from 3 submitters: Benign (1); Likely benign (1). 1 of the submissions does not count toward it. Last evaluated 2026-09-01.

Conditions:
MAST1-related disorder. Also called: MAST1-related condition.

Allele frequency attached by ClinVar (database versions not stated): TOPMed 0.00168; gnomAD 0.00179; 1000 Genomes Project 0.00180; gnomAD exomes 0.00292; 1000 Genomes Project 30x 0.00187; ESP Exome Variant Server 0.00208; ExAC 0.00222.
gnomAD v4.1: 4,501 of 1,613,322 alleles (0.28%); highest among the groups gnomAD compares: Non-Finnish European, 0.33%; 11 homozygotes.

Submissions (3):

CeGaT Center for Human Genetics Tuebingen
Classification: Likely benign. Last evaluated: 2026-09-01. Review status: criteria provided, single submitter. Criteria: CeGaT Center For Human Genetics Tuebingen Variant Classification Criteria Version 2. Collection method: clinical testing. Allele origin: germline. Affected: yes. Observed: 8 variant alleles.
Comment: MAST1: BP4, BP7

Labcorp Genetics (formerly Invitae), Labcorp
Classification: Benign. Last evaluated: 2026-01-20. Review status: criteria provided, single submitter. Criteria: Invitae Variant Classification Sherloc (09022015). Collection method: clinical testing. Allele origin: germline.

PreventionGenetics, part of Exact Sciences
Classification: Likely benign for MAST1-related condition. Last evaluated: 2019-12-12. Review status: no assertion criteria provided. Collection method: clinical testing. Allele origin: germline. Not counted in ClinVar's aggregate classification.
Comment: This variant is classified as likely benign based on ACMG/AMP sequence variant interpretation guidelines (Richards et al. 2015 PMID: 25741868, with internal and published modifications).